The following is an entry in ClinVar:

ClinVar aggregate classification (germline): Pathogenic (0 of 4 stars; one submission).

Conditions:
Seizures, benign familial neonatal, 1. Also called: KCNQ2-Related Benign Familial Neonatal Epilepsy; Benign Neonatal Epilepsy 1; KCNQ2-Related Self-Limited Familial Neonatal Epilepsy (SLFNE); Seizures, benign neonatal, 1. Identifiers: Orphanet 1949, MedGen C3149074, MONDO:0007365, OMIM 121200.

Submission:

GeneReviews
Classification: Pathogenic for Seizures, benign familial neonatal, 1. Last evaluated: 2016-03-31. Review status: no assertion criteria provided. Collection method: literature only. Allele origin: germline. Affected: yes.
Comment: BFNE (benign familial neonatal epilepsy)

This is a submicroscopic deletion and the exact boundaries have not been determined.

Literature cited by the submitters: PubMed 17675531; PubMed 25982755.

NM_172107.2(KCNQ2):c.388-?_1301+?del

Gene: KCNQ2 (potassium voltage-gated channel subfamily Q member 2; minus strand). Cytogenetic location: 20q13.33.
Variant type: Deletion.
Coding change: c.388-?_1301+?del on transcript NM_172107.2.
Identifiers: ClinVar variation 369750 (VCV000369750.1).